The following is an entry in ClinVar:

NM_001130987.2(DYSF):c.722C>T (p.Ser241Phe)

Gene: DYSF (dysferlin; plus strand). Cytogenetic location: 2p13.2.
Variant type: single nucleotide variant.
Coding change: c.722C>T on transcript NM_001130987.2 (MANE Select); coding-DNA position 722, C replaced by T.
Protein change: p.Ser241Phe; replaces serine 241 with phenylalanine.
Molecular consequence: missense variant.
Genome position (GRCh38, 1-based): chr2:71,513,884, C>T. VCF-style: chr2-71513884-C-T. GRCh37 (hg19) VCF-style: chr2-71741014-C-T.
Other names: c.629C>T, p.Ser210Phe (NM_001130455.2, NM_001130983.2, NM_001130984.2 and 1 more transcripts); c.626C>T, p.Ser209Phe (NM_001130976.2, NM_001130977.2, NM_001130978.2 and 1 more transcripts); c.719C>T, p.Ser240Phe (NM_001130979.2, NM_001130980.2, NM_001130981.2); c.722C>T, p.Ser241Phe (NM_001130982.2, NM_001130985.2); short protein forms S209F, S241F, S210F, S240F.
Identifiers: ClinVar variation 283252 (VCV000283252.6), dbSNP rs754343148, ClinGen allele CA1705428.
Genomic context (GRCh38, chr2:71,513,884, plus strand): 5'-TACCTTCACGTCCTCCGCCCCACTACCCCGGGATCAAAAGAAAGCGAAGTGCGCCTACAT[C>T]TAGAAAGCTGCTGTCAGACAAACCGCAGGATTTCCAGGTGATGAACGGGCTTTCTCTGAC-3'
Protein context (NP_001124459.1, residues 231-251): GIKRKRSAPT[Ser241Phe]RKLLSDKPQD

ClinVar aggregate classification (germline): Uncertain significance. Review status: criteria provided, multiple submitters, no conflicts (2 of 4 stars). 2 submissions from 2 submitters: Uncertain significance (2). Last evaluated 2022-06-01.

Allele frequency attached by ClinVar (database versions not stated): TOPMed below 0.00001; ExAC 0.00001; gnomAD exomes 0.00001.

Submissions (2):

Women's Health and Genetics/Laboratory Corporation of America, LabCorp
Classification: Uncertain significance. Last evaluated: 2022-06-01. Review status: criteria provided, single submitter. Criteria: LabCorp Variant Classification Summary - May 2015. Collection method: clinical testing. Allele origin: germline.
Comment: Variant summary: DYSF c.626C>T (p.Ser209Phe) results in a non-conservative amino acid change located in the C2 domain of the encoded protein sequence. Four of five in-silico tools predict a benign effect of the variant on protein function. The variant allele was found at a frequency of 8e-06 in 251476 control chromosomes. The available data on variant occurrences in the general population are insufficient to allow any conclusion about variant significance. c.626C>T has been reported in the literature in an individual with suspected Limb-Girdle Muscular Dystrophy however, the variant was in the heterozygous state with no second variant in DYSF (Nallamilli_2018). Therefore, this report does not provide unequivocal conclusions about association of the variant with Autosomal Recessive Limb-Girdle Muscular Dystrophy. To our knowledge, no experimental evidence demonstrating an impact on protein function has been reported. One clinical diagnostic laboratory has submitted clinical-significance assessments for this variant to ClinVar after 2014 without evidence for independent evaluation. One laboratory classified the variant as uncertain significance. Based on the evidence outlined above, the variant was classified as uncertain significance.

Eurofins Ntd Llc (ga)
Classification: Uncertain significance. Last evaluated: 2015-09-09. Review status: criteria provided, single submitter. Criteria: EGL Classification Definitions 2015. Collection method: clinical testing. Allele origin: germline. Observed: 1 variant allele, 1 heterozygote.

Literature cited by the submitters: PubMed 30564623 (cited by Women's Health and Genetics/Laboratory Corporation of America, LabCorp).